The following is an entry in ClinVar:

ClinVar aggregate classification (germline): Benign/Likely benign. Review status: criteria provided, multiple submitters, no conflicts (2 of 4 stars). 4 submissions from 4 submitters: Benign (1); Likely benign (3). Last evaluated 2024-09-18.

Conditions:
Hereditary cancer-predisposing syndrome. Also called: Tumor predisposition; Neoplastic Syndromes, Hereditary; Hereditary Cancer Syndrome; Hereditary neoplastic syndrome. Identifiers: Orphanet 140162, MedGen C0027672, MeSH D009386, MONDO:0015356.
Hereditary diffuse gastric adenocarcinoma (HDGC). Also called: DIFFUSE GASTRIC AND LOBULAR BREAST CANCER SYNDROME. Identifiers: Orphanet 26106, MedGen C1708349, MONDO:0007648, OMIM 137215.

Submissions (4):

Myriad Genetics, Inc.
Classification: Benign for Hereditary diffuse gastric adenocarcinoma. Last evaluated: 2024-09-18. Review status: criteria provided, single submitter. Criteria: Myriad Autosomal Dominant, Autosomal Recessive and X-Linked Classification Criteria (2023). Collection method: clinical testing. Allele origin: unknown.
Comment: This variant is considered benign. This variant is a silent/synonymous amino acid change and it is not expected to impact splicing.

Color Diagnostics, LLC DBA Color Health
Classification: Likely benign for Hereditary cancer-predisposing syndrome. Last evaluated: 2022-09-12. Review status: criteria provided, single submitter. Criteria: ACMG Guidelines, 2015. Collection method: clinical testing. Allele origin: germline.

Labcorp Genetics (formerly Invitae), Labcorp
Classification: Likely benign for Hereditary diffuse gastric adenocarcinoma. Last evaluated: 2019-08-22. Review status: criteria provided, single submitter. Criteria: Invitae Variant Classification Sherloc (09022015). Collection method: clinical testing. Allele origin: germline.

Ambry Genetics
Classification: Likely benign for Hereditary cancer-predisposing syndrome. Last evaluated: 2016-06-01. Review status: criteria provided, single submitter. Criteria: Ambry Variant Classification Scheme 2023. Collection method: clinical testing. Allele origin: germline.

NM_004360.5(CDH1):c.1324T>C (p.Leu442=)

Gene: CDH1 (cadherin 1; plus strand). Cytogenetic location: 16q22.1.
Variant type: single nucleotide variant.
Coding change: c.1324T>C on transcript NM_004360.5 (MANE Select); coding-DNA position 1324, T replaced by C.
Protein change: p.Leu442=; no amino-acid change (leucine 442 retained).
Molecular consequence: synonymous variant. On other transcripts: 5 prime UTR variant (2).
Genome position (GRCh38, 1-based): chr16:68,815,518, T>C. VCF-style: chr16-68815518-T-C. GRCh37 (hg19) VCF-style: chr16-68849421-T-C.
Other names: c.1141T>C, p.Leu381= (NM_001317184.2); c.-225T>C (NM_001317185.2); c.-496T>C (NM_001317186.2); c.1324T>C (LRG_301t1).
Identifiers: ClinVar variation 479503 (VCV000479503.18), dbSNP rs1555516075, ClinGen allele CA496153898.